The following is an entry in ClinVar:

ClinVar aggregate classification (germline): Uncertain significance. Review status: criteria provided, multiple submitters, no conflicts (2 of 4 stars). 3 submissions from 3 submitters: Uncertain significance (3). Last evaluated 2025-09-10.

Conditions:
Multiple endocrine neoplasia, type 2 (MEN2). Identifiers: Orphanet 653, MedGen C4048306, MONDO:0019003. Disease mechanism: gain of function.
Hereditary cancer-predisposing syndrome. Also called: Neoplastic Syndromes, Hereditary; Hereditary Cancer Syndrome; Tumor predisposition; Hereditary neoplastic syndrome. Identifiers: Orphanet 140162, MedGen C0027672, MeSH D009386, MONDO:0015356.

Allele frequency attached by ClinVar (database versions not stated): gnomAD exomes below 0.00001 and 0.00001; TOPMed below 0.00001; ExAC 0.00001; gnomAD 0.00001.

Submissions (3):

Color Diagnostics, LLC DBA Color Health
Classification: Uncertain significance for Multiple endocrine neoplasia, type 2. Last evaluated: 2025-09-10. Review status: criteria provided, single submitter. Criteria: ACMG Guidelines, 2015. Collection method: clinical testing. Allele origin: germline.
Comment: This missense variant replaces tyrosine with asparagine at codon 408 of the RET protein. Computational prediction is inconclusive regarding the impact of this variant on protein structure and function. To our knowledge, functional studies have not been reported for this variant. This variant has not been reported in individuals affected with RET-related disorders in the literature. This variant has been identified in 1/250998 chromosomes in the general population by the Genome Aggregation Database (gnomAD). The available evidence is insufficient to determine the role of this variant in disease conclusively. Therefore, this variant is classified as a Variant of Uncertain Significance.

Labcorp Genetics (formerly Invitae), Labcorp
Classification: Uncertain significance for Multiple endocrine neoplasia, type 2. Last evaluated: 2024-12-11. Review status: criteria provided, single submitter. Criteria: Invitae Variant Classification Sherloc (09022015). Collection method: clinical testing. Allele origin: germline.
Comment: This sequence change replaces tyrosine, which is neutral and polar, with asparagine, which is neutral and polar, at codon 408 of the RET protein (p.Tyr408Asn). The frequency data for this variant in the population databases is considered unreliable, as metrics indicate poor data quality at this position in the gnomAD database. This variant has not been reported in the literature in individuals affected with RET-related conditions. ClinVar contains an entry for this variant (Variation ID: 543751). An algorithm developed to predict the effect of missense changes on protein structure and function (PolyPhen-2) suggests that this variant is likely to be disruptive. In summary, the available evidence is currently insufficient to determine the role of this variant in disease. Therefore, it has been classified as a Variant of Uncertain Significance.

Ambry Genetics
Classification: Uncertain significance for Hereditary cancer-predisposing syndrome. Last evaluated: 2024-05-10. Review status: criteria provided, single submitter. Criteria: Ambry Variant Classification Scheme 2023. Collection method: clinical testing. Allele origin: germline.
Comment: The p.Y408N variant (also known as c.1222T>A), located in coding exon 6 of the RET gene, results from a T to A substitution at nucleotide position 1222. The tyrosine at codon 408 is replaced by asparagine, an amino acid with dissimilar properties. This amino acid position is highly conserved in available vertebrate species. In addition, the in silico prediction for this alteration is inconclusive. Since supporting evidence is limited at this time, the clinical significance of this alteration remains unclear.

NM_020975.6(RET):c.1222T>A (p.Tyr408Asn)

Gene: RET (ret proto-oncogene; plus strand). Cytogenetic location: 10q11.21.
Variant type: single nucleotide variant.
Coding change: c.1222T>A on transcript NM_020975.6 (MANE Select); coding-DNA position 1222, T replaced by A.
Protein change: p.Tyr408Asn; replaces tyrosine 408 with asparagine.
Molecular consequence: missense variant.
Genome position (GRCh38, 1-based): chr10:43,109,189, T>A. VCF-style: chr10-43109189-T-A. GRCh37 (hg19) VCF-style: chr10-43604637-T-A.
Other names: c.1222T>A, p.Tyr408Asn (NM_000323.2, NM_001406743.1, NM_001406744.1 and 6 more transcripts); c.460T>A, p.Tyr154Asn (NM_001355216.2); c.1093T>A, p.Tyr365Asn (NM_001406761.1, NM_001406762.1, NM_001406764.1 and 1 more transcripts); c.934T>A, p.Tyr312Asn (NM_001406766.1, NM_001406767.1, NM_001406770.1); c.784T>A, p.Tyr262Asn (NM_001406771.1, NM_001406773.1); c.496T>A, p.Tyr166Asn (NM_001406775.1, NM_001406776.1, NM_001406777.1 and 1 more transcripts); c.232T>A, p.Tyr78Asn (NM_001406784.1); short protein forms Y408N, Y154N, Y166N, Y262N, Y365N, Y78N, Y312N.
Identifiers: ClinVar variation 543751 (VCV000543751.18), dbSNP rs778754580, ClinGen allele CA032180.
Genomic context (GRCh38, chr10:43,109,189, plus strand): 5'-GTCCTCTTGCTCCACTTCAACGTGTCGGTGCTGCCGGTCAGCCTGCACCTGCCCAGTACC[T>A]ACTCCCTCTCCGTGAGCAGGAGGGCTCGCCGATTTGCCCAGGTGAGCCCATACCTATTGC-3'
Protein context (NP_066124.1, residues 398-418): LPVSLHLPST[Tyr408Asn]SLSVSRRARR